The following is an entry in ClinVar:

ClinVar aggregate classification (germline): Uncertain significance (1 of 4 stars; one submission).

Submission:

CeGaT Center for Human Genetics Tuebingen
Classification: Uncertain significance. Last evaluated: 2025-01-01. Review status: criteria provided, single submitter. Criteria: CeGaT Center For Human Genetics Tuebingen Variant Classification Criteria Version 2. Collection method: clinical testing. Allele origin: germline. Affected: yes. Observed: 1 variant allele.
Comment: PRKCH: PM2, BP4

NM_006255.5(PRKCH):c.578+3A>G

Gene: PRKCH (protein kinase C eta; plus strand). Cytogenetic location: 14q23.1.
Variant type: single nucleotide variant.
Coding change: c.578+3A>G on transcript NM_006255.5 (MANE Select); 3 bases into the intron after coding-DNA position 578, A replaced by G.
Molecular consequence: intron variant.
Genome position (GRCh38, 1-based): chr14:61,443,264, A>G. VCF-style: chr14-61443264-A-G. GRCh37 (hg19) VCF-style: chr14-61909982-A-G.
Identifiers: ClinVar variation 3772321 (VCV003772321.13).
Genomic context (GRCh38, chr14:61,443,264, plus strand): 5'-TCATGGCCACGTATCTGAGGCAGCCCACCTACTGCTCTCACTGCAGGGAGTTTATCTGGT[A>G]AGGGGTTCCCTTACTTCTGTCCTCCTCAGAGCTTCCATCTAATAGGCTTCCTCTGGTTAT-3'